The following is an entry in ClinVar:

ClinVar aggregate classification (germline): Uncertain significance. Review status: criteria provided, multiple submitters, no conflicts (2 of 4 stars). 2 submissions from 2 submitters: Uncertain significance (2). Last evaluated 2025-08-01.

Conditions:
Inborn genetic diseases. Identifiers: MedGen C0950123, MeSH D030342.

Allele frequency attached by ClinVar (database versions not stated): 1000 Genomes Project 30x 0.00016.
gnomAD v4.1: 27 of 1,016,202 alleles (0.0027%); highest among the groups gnomAD compares: South Asian, 0.085%; no homozygotes.

Submissions (2):

Labcorp Genetics (formerly Invitae), Labcorp
Classification: Uncertain significance. Last evaluated: 2025-08-01. Review status: criteria provided, single submitter. Criteria: Invitae Variant Classification Sherloc (09022015). Collection method: clinical testing. Allele origin: germline.
Comment: This sequence change replaces glycine, which is neutral and non-polar, with valine, which is neutral and non-polar, at codon 38 of the FOXI3 protein (p.Gly38Val). This variant is present in population databases (no rsID available, gnomAD no frequency). This variant has not been reported in the literature in individuals affected with FOXI3-related conditions. ClinVar contains an entry for this variant (Variation ID: 1362267). Experimental studies and prediction algorithms are not available or were not evaluated, and the functional significance of this variant is currently unknown. In summary, the available evidence is currently insufficient to determine the role of this variant in disease. Therefore, it has been classified as a Variant of Uncertain Significance.

Ambry Genetics
Classification: Uncertain significance for Inborn genetic diseases. Last evaluated: 2023-02-07. Review status: criteria provided, single submitter. Criteria: Ambry Variant Classification Scheme 2023. Collection method: clinical testing. Allele origin: germline.

NM_001135649.3(FOXI3):c.113G>T (p.Gly38Val)

Gene: FOXI3 (forkhead box I3; minus strand). Cytogenetic location: 2p11.2.
Variant type: single nucleotide variant.
Coding change: c.113G>T on transcript NM_001135649.3 (MANE Select); coding-DNA position 113, G replaced by T.
Protein change: p.Gly38Val; replaces glycine 38 with valine.
Molecular consequence: missense variant.
Genome position (GRCh38, 1-based): chr2:88,452,423, C>A on the plus strand (G>T on the coding strand, the complement: FOXI3 is on the minus strand). VCF-style: chr2-88452423-C-A. GRCh37 (hg19) VCF-style: chr2-88751941-C-A.
Other names: c.113G>T (NM_001135649.1); short protein forms G38V.
Identifiers: ClinVar variation 1362267 (VCV001362267.7), dbSNP rs1251422571, ClinGen allele CA347767031.